The following is an entry in ClinVar:

ClinVar aggregate classification (germline): Uncertain significance (1 of 4 stars; one submission).

Allele frequency attached by ClinVar (database versions not stated): TOPMed below 0.00001; gnomAD 0.00001.
gnomAD v4.1: 1 of 1,614,072 alleles (0.000062%); highest among the groups gnomAD compares: African/African-American, 0.0013%; no homozygotes.

Submission:

Labcorp Genetics (formerly Invitae), Labcorp
Classification: Uncertain significance. Last evaluated: 2022-08-06. Review status: criteria provided, single submitter. Criteria: Invitae Variant Classification Sherloc (09022015). Collection method: clinical testing. Allele origin: germline.
Comment: In summary, the available evidence is currently insufficient to determine the role of this variant in disease. Therefore, it has been classified as a Variant of Uncertain Significance. Algorithms developed to predict the effect of missense changes on protein structure and function (SIFT, PolyPhen-2, Align-GVGD) all suggest that this variant is likely to be tolerated. This variant has not been reported in the literature in individuals affected with ICK-related conditions. This variant is not present in population databases (gnomAD no frequency). This sequence change replaces lysine, which is basic and polar, with arginine, which is basic and polar, at codon 398 of the ICK protein (p.Lys398Arg).

NM_014920.5(CILK1):c.1193A>G (p.Lys398Arg)

Gene: CILK1 (ciliogenesis associated kinase 1; minus strand). Cytogenetic location: 6p12.1.
Variant type: single nucleotide variant.
Coding change: c.1193A>G on transcript NM_014920.5 (MANE Select); coding-DNA position 1193, A replaced by G.
Protein change: p.Lys398Arg; replaces lysine 398 with arginine.
Molecular consequence: missense variant. On other transcripts: non-coding transcript variant (1).
Genome position (GRCh38, 1-based): chr6:53,012,187, T>C on the plus strand (A>G on the coding strand, the complement: CILK1 is on the minus strand). VCF-style: chr6-53012187-T-C. GRCh37 (hg19) VCF-style: chr6-52876985-T-C.
Other names: c.1214A>G, p.Lys405Arg (NM_001375397.1); c.1193A>G, p.Lys398Arg (NM_001375398.1, NM_001375399.1, NM_001375400.1 and 3 more transcripts); short protein forms K398R, K405R.
Identifiers: ClinVar variation 2022249 (VCV002022249.4), dbSNP rs1764613475, ClinGen allele CA364468027.
Genomic context (GRCh38, chr6:53,012,187, plus strand): 5'-CAATCATCTGAATCCTTTGTTGACCTGGAAATAAGACCCCACCTTCTCCTACTCTTTGGC[T>C]TTATCTCACCATTTTTGTGCTCCAGGCCAGCTGTGATTTTCTGTGTAAACAAACGGGGTG-3'
Protein context (NP_055735.1, residues 388-408): AGLEHKNGEI[Lys398Arg]PKSRRRWGLI